The following is an entry in ClinVar:

ClinVar aggregate classification (germline): Uncertain significance (1 of 4 stars; one submission).

Conditions:
Fanconi anemia complementation group O. Also called: RAD51C-Related Fanconi Anemia. Identifiers: Orphanet 84, MedGen C3150653, MONDO:0013248, OMIM 613390.

Submission:

Labcorp Genetics (formerly Invitae), Labcorp
Classification: Uncertain significance for Fanconi anemia complementation group O. Last evaluated: 2025-07-30. Review status: criteria provided, single submitter. Criteria: Invitae Variant Classification Sherloc (09022015). Collection method: clinical testing. Allele origin: germline.
Comment: This sequence change replaces aspartic acid, which is acidic and polar, with asparagine, which is neutral and polar, at codon 215 of the RAD51C protein (p.Asp215Asn). This variant is not present in population databases (gnomAD no frequency). This variant has not been reported in the literature in individuals affected with RAD51C-related conditions. ClinVar contains an entry for this variant (Variation ID: 3666147). Invitae Evidence Modeling of protein sequence and biophysical properties (such as structural, functional, and spatial information, amino acid conservation, physicochemical variation, residue mobility, and thermodynamic stability) indicates that this missense variant is not expected to disrupt RAD51C protein function with a negative predictive value of 80%. In summary, the available evidence is currently insufficient to determine the role of this variant in disease. Therefore, it has been classified as a Variant of Uncertain Significance.

NM_058216.3(RAD51C):c.643G>A (p.Asp215Asn)

Genes: RAD51C (RAD51 paralog C; plus strand), LOC129390903 (MPRA-validated peak2919 silencer; plus strand). Cytogenetic location: 17q22.
Variant type: single nucleotide variant.
Coding change: c.643G>A on transcript NM_058216.3 (MANE Select); coding-DNA position 643, G replaced by A.
Protein change: p.Asp215Asn; replaces aspartic acid 215 with asparagine.
Molecular consequence: missense variant. On other transcripts: non-coding transcript variant (1).
Genome position (GRCh38, 1-based): chr17:58,703,267, G>A. VCF-style: chr17-58703267-G-A. GRCh37 (hg19) VCF-style: chr17-56780628-G-A.
Other names: short protein forms D215N.
Identifiers: ClinVar variation 3666147 (VCV003666147.2).